The following is an entry in ClinVar:

ClinVar aggregate classification (germline): Uncertain significance (1 of 4 stars; one submission).

Conditions:
Cardiomyopathy (CMYO). Also called: Cardiomyopathies. Identifiers: Orphanet 167848, MedGen C0878544, MONDO:0004994, HP:0001638. Inheritance: Various modes of inheritance.

Submission:

Color Diagnostics, LLC DBA Color Health
Classification: Uncertain significance for Cardiomyopathy. Last evaluated: 2021-09-15. Review status: criteria provided, single submitter. Criteria: ACMG Guidelines, 2015. Collection method: clinical testing. Allele origin: germline.
Comment: This missense variant replaces serine with proline at codon 249 of the RYR2 protein. Computational prediction is inconclusive regarding the impact of this variant on protein structure and function (internally defined REVEL score threshold 0.5 < inconclusive < 0.7, PMID: 27666373). To our knowledge, functional studies have not been reported for this variant. This variant has not been reported in individuals affected with cardiovascular disorders in the literature. This variant has not been identified in the general population by the Genome Aggregation Database (gnomAD). The available evidence is insufficient to determine the role of this variant in disease conclusively. Therefore, this variant is classified as a Variant of Uncertain Significance.

NM_001035.3(RYR2):c.745T>C (p.Ser249Pro)

Gene: RYR2 (ryanodine receptor 2; plus strand). Cytogenetic location: 1q43.
Variant type: single nucleotide variant.
Coding change: c.745T>C on transcript NM_001035.3 (MANE Select); coding-DNA position 745, T replaced by C.
Protein change: p.Ser249Pro; replaces serine 249 with proline.
Molecular consequence: missense variant.
Genome position (GRCh38, 1-based): chr1:237,388,155, T>C. VCF-style: chr1-237388155-T-C. GRCh37 (hg19) VCF-style: chr1-237551455-T-C.
Other names: short protein forms S249P.
Identifiers: ClinVar variation 2774241 (VCV002774241.2), dbSNP rs1702094684, ClinGen allele CA345378435.